The following is an entry in ClinVar:

ClinVar aggregate classification (germline): Benign/Likely benign. Review status: criteria provided, multiple submitters, no conflicts (2 of 4 stars). 3 submissions from 3 submitters: Benign (1); Likely benign (1). 1 of the submissions does not count toward it. Last evaluated 2026-01-14.

Conditions:
AP3B2-related disorder. Also called: AP3B2-related condition.

Submissions (3):

Labcorp Genetics (formerly Invitae), Labcorp
Classification: Benign. Last evaluated: 2026-01-14. Review status: criteria provided, single submitter. Criteria: Invitae Variant Classification Sherloc (09022015). Collection method: clinical testing. Allele origin: germline.

Blueprint Genetics
Classification: Likely benign. Last evaluated: 2024-08-23. Review status: criteria provided, single submitter. Criteria: ACMG Guidelines, 2015. Collection method: clinical testing. Allele origin: germline.

PreventionGenetics, part of Exact Sciences
Classification: Likely benign for AP3B2-related condition. Last evaluated: 2024-03-27. Review status: no assertion criteria provided. Collection method: clinical testing. Allele origin: germline. Not counted in ClinVar's aggregate classification.
Comment: This variant is classified as likely benign based on ACMG/AMP sequence variant interpretation guidelines (Richards et al. 2015 PMID: 25741868, with internal and published modifications).

NM_001278512.2(AP3B2):c.2229TGAGGA[1] (p.743DE[1])

Genes: AP3B2 (adaptor related protein complex 3 subunit beta 2; minus strand), CPEB1-AS1 (CPEB1 antisense RNA 1; plus strand). Cytogenetic location: 15q25.2.
Variant type: Microsatellite.
Coding change: c.2229TGAGGA[1] on transcript NM_001278512.2 (MANE Select); one copy of the 6-base unit TGAGGA starting at c.2229; the reference has two copies in a row; one copy, 6 bases deleted.
Protein change: p.743DE[1].
Molecular consequence: inframe deletion.
Genome position (GRCh38, 1-based): chr15:82,664,388-82,664,393, TCCTCA deleted on the plus strand (TGAGGA on the coding strand, the reverse complement: AP3B2 is on the minus strand); deleting any 6 consecutive bases within chr15:82,664,388-82,664,403 gives the same sequence; the position shown is the placement nearest the transcript's 3' end. VCF-style (leftmost placement, unchanged base first): chr15-82664387-CTCCTCA-C. GRCh37 (hg19) VCF-style: chr15-83333139-CTCCTCA-C.
Other names: c.2178_2183del6 (NM_004644.4); c.2076TGAGGA[1], p.692DE[1] (NM_001278511.2); c.2172TGAGGA[1], p.724DE[1] (NM_004644.5); c.2178_2183del (NM_004644.4).
Identifiers: ClinVar variation 747213 (VCV000747213.12), dbSNP rs3217363, ClinGen allele CA7699982.